The following is an entry in ClinVar:

ClinVar aggregate classification (germline): Uncertain significance (1 of 4 stars; one submission).

Allele frequency attached by ClinVar (database versions not stated): TOPMed below 0.00001; gnomAD 0.00001; gnomAD exomes 0.00001.
gnomAD v4.1: 4 of 1,612,354 alleles (0.00025%); highest among the groups gnomAD compares: Admixed American, 0.005%; no homozygotes.

Submission:

Labcorp Genetics (formerly Invitae), Labcorp
Classification: Uncertain significance. Last evaluated: 2022-02-28. Review status: criteria provided, single submitter. Criteria: Invitae Variant Classification Sherloc (09022015). Collection method: clinical testing. Allele origin: germline.
Comment: This sequence change replaces glycine, which is neutral and non-polar, with cysteine, which is neutral and slightly polar, at codon 381 of the C7 protein (p.Gly381Cys). This variant is present in population databases (no rsID available, gnomAD 0.003%). This variant has not been reported in the literature in individuals affected with C7-related conditions. Algorithms developed to predict the effect of missense changes on protein structure and function are either unavailable or do not agree on the potential impact of this missense change (SIFT: "Deleterious"; PolyPhen-2: "Possibly Damaging"; Align-GVGD: "Class C0"). In summary, the available evidence is currently insufficient to determine the role of this variant in disease. Therefore, it has been classified as a Variant of Uncertain Significance.

NM_000587.4(C7):c.1141G>T (p.Gly381Cys)

Gene: C7 (complement C7; plus strand). Cytogenetic location: 5p13.1.
Variant type: single nucleotide variant.
Coding change: c.1141G>T on transcript NM_000587.4 (MANE Select); coding-DNA position 1141, G replaced by T.
Protein change: p.Gly381Cys; replaces glycine 381 with cysteine.
Molecular consequence: missense variant.
Genome position (GRCh38, 1-based): chr5:40,955,434, G>T. VCF-style: chr5-40955434-G-T. GRCh37 (hg19) VCF-style: chr5-40955536-G-T.
Other names: short protein forms G381C.
Identifiers: ClinVar variation 2097293 (VCV002097293.1), dbSNP rs1380536844, ClinGen allele CA359584732.